The following is an entry in ClinVar:

NM_001148.6(ANK2):c.793-4G>A

Gene: ANK2 (ankyrin 2; plus strand). Cytogenetic location: 4q26.
Variant type: single nucleotide variant.
Coding change: c.793-4G>A on transcript NM_001148.6 (MANE Select); 4 bases into the intron before coding-DNA position 793, G replaced by A.
Molecular consequence: intron variant.
Genome position (GRCh38, 1-based): chr4:113,242,107, G>A. VCF-style: chr4-113242107-G-A. GRCh37 (hg19) VCF-style: chr4-114163263-G-A.
Other names: c.781-4G>A (NM_001386186.2, NM_001386148.2, NM_001354269.3); c.757-4G>A (NM_001386187.2); c.751-4G>A (NM_001386147.1, NM_001386160.1, NM_001354261.2); c.730-4G>A (NM_001354254.2, NM_001354239.2, NM_001354252.2 and 14 more transcripts); c.706-4G>A (NM_001354249.2, NM_001354266.2, NM_001354276.2 and 16 more transcripts); c.838-4G>A (NM_001354241.2, NM_001386152.1, NM_001354237.2 and 5 more transcripts); c.793-4G>A (NM_001354225.2, NM_001354235.2, NM_001354246.2 and 9 more transcripts); c.844-4G>A (NM_001386174.1); and 1 more.
Identifiers: ClinVar variation 682193 (VCV000682193.1), dbSNP rs1585818750, ClinGen allele CA915943184.

ClinVar aggregate classification (germline): Likely benign (1 of 4 stars; one submission).

Allele frequency attached by ClinVar (database versions not stated): gnomAD exomes below 0.00001; TOPMed below 0.00001.
gnomAD v4.1: 1 of 1,611,860 alleles (0.000062%); highest among the groups gnomAD compares: Non-Finnish European, 0.000085%; no homozygotes.

Submission:

GeneDx
Classification: Likely benign. Last evaluated: 2018-04-18. Review status: criteria provided, single submitter. Criteria: GeneDx Variant Classification (06012015). Collection method: clinical testing. Allele origin: germline. Affected: yes.
Comment: This variant is considered likely benign or benign based on one or more of the following criteria: it is a conservative change, it occurs at a poorly conserved position in the protein, it is predicted to be benign by multiple in silico algorithms, and/or has population frequency not consistent with disease.